The following is an entry in ClinVar:

NM_012210.4(TRIM32):c.1862G>T (p.Gly621Val)

Genes: ASTN2 (astrotactin 2; minus strand), TRIM32 (tripartite motif containing 32; plus strand). Cytogenetic location: 9q33.1.
Variant type: single nucleotide variant.
Coding change: c.1862G>T on transcript NM_012210.4 (MANE Select); coding-DNA position 1862, G replaced by T.
Protein change: p.Gly621Val; replaces glycine 621 with valine.
Molecular consequence: missense variant. On other transcripts: intron variant (3).
Genome position (GRCh38, 1-based): chr9:116,699,604, G>T. VCF-style: chr9-116699604-G-T. GRCh37 (hg19) VCF-style: chr9-119461883-G-T.
Other names: c.1862G>T, p.Gly621Val (NM_001099679.2, NM_001379048.1, NM_001379049.1 and 1 more transcripts); c.2653+26167C>A (NM_014010.5); c.2794+26167C>A (NM_001365069.1); c.2806+26167C>A (NM_001365068.1); short protein forms G621V.
Identifiers: ClinVar variation 4983472 (VCV004983472.1).

ClinVar aggregate classification (germline): Uncertain significance (1 of 4 stars; one submission).

Conditions:
TRIM32-related disorder. Also called: TRIM32-related condition.

gnomAD v4.1: 1 of 1,614,188 alleles (0.000062%); highest among the groups gnomAD compares: Admixed American, 0.0017%; no homozygotes.

Submission:

PreventionGenetics, part of Exact Sciences
Classification: Uncertain significance for TRIM32-related condition. Last evaluated: 2026-04-25. Review status: criteria provided, single submitter. Criteria: ACMG Guidelines, 2015. Collection method: clinical testing. Allele origin: germline.
Comment: The TRIM32 c.1862G>T variant is predicted to result in the amino acid substitution p.Gly621Val. To our knowledge, this variant has not been reported in the literature. This variant is reported in 0.0029% of alleles in individuals of Latino descent in gnomAD. At this time, the clinical significance of this variant is uncertain due to the absence of conclusive functional and genetic evidence.